The following is an entry in ClinVar:

ClinVar aggregate classification (germline): Uncertain significance (1 of 4 stars; one submission).

Submission:

Labcorp Genetics (formerly Invitae), Labcorp
Classification: Uncertain significance. Last evaluated: 2022-08-16. Review status: criteria provided, single submitter. Criteria: Invitae Variant Classification Sherloc (09022015). Collection method: clinical testing. Allele origin: germline.
Comment: Algorithms developed to predict the effect of missense changes on protein structure and function are either unavailable or do not agree on the potential impact of this missense change (SIFT: "Not Available"; PolyPhen-2: "Benign"; Align-GVGD: "Not Available"). This variant has not been reported in the literature in individuals affected with LCT-related conditions. This variant is not present in population databases (gnomAD no frequency). This sequence change replaces glutamic acid, which is acidic and polar, with lysine, which is basic and polar, at codon 875 of the LCT protein (p.Glu875Lys). In summary, the available evidence is currently insufficient to determine the role of this variant in disease. Therefore, it has been classified as a Variant of Uncertain Significance.

NM_002299.4(LCT):c.2623G>A (p.Glu875Lys)

Gene: LCT (lactase; minus strand). Cytogenetic location: 2q21.3.
Variant type: single nucleotide variant.
Coding change: c.2623G>A on transcript NM_002299.4 (MANE Select); coding-DNA position 2623, G replaced by A.
Protein change: p.Glu875Lys; replaces glutamic acid 875 with lysine.
Molecular consequence: missense variant.
Genome position (GRCh38, 1-based): chr2:135,809,724, C>T on the plus strand (G>A on the coding strand, the complement: LCT is on the minus strand). VCF-style: chr2-135809724-C-T. GRCh37 (hg19) VCF-style: chr2-136567294-C-T.
Other names: short protein forms E875K.
Identifiers: ClinVar variation 1716534 (VCV001716534.5), dbSNP rs2467219348, ClinGen allele CA348602218.
Genomic context (GRCh38, chr2:135,809,724, plus strand): 5'-TTTCGAACTTGGGTTGGCTGGAGAACTTTTCCCAAACGACTTTAGCCTTGGAGGGCACCT[C>T]AGATGGAAAAGTGAAGGCTCTGACTTTGGAGGGGAGGTTTACTGTATTAGGTGGTAGCAG-3'
Protein context (NP_002290.2, residues 865-885): SKVRAFTFPS[Glu875Lys]VPSKAKVVWE